The following is an entry in ClinVar:

NM_147127.5(EVC2):c.816+1G>T

Gene: EVC2 (EvC ciliary complex subunit 2; minus strand). Cytogenetic location: 4p16.2.
Variant type: single nucleotide variant.
Coding change: c.816+1G>T on transcript NM_147127.5 (MANE Select); the canonical splice donor site of the intron after coding-DNA position 816, G replaced by T.
Molecular consequence: splice donor variant.
Genome position (GRCh38, 1-based): chr4:5,685,369, C>A on the plus strand (G>T on the coding strand, the complement: EVC2 is on the minus strand). VCF-style: chr4-5685369-C-A. GRCh37 (hg19) VCF-style: chr4-5687096-C-A.
Other names: c.576+1G>T (NM_001166136.2).
Identifiers: ClinVar variation 1496999 (VCV001496999.10), dbSNP rs1355905411, ClinGen allele CA356146667.

ClinVar aggregate classification (germline): Pathogenic/Likely pathogenic. Review status: criteria provided, multiple submitters, no conflicts (2 of 4 stars). 2 submissions from 2 submitters: Pathogenic (1); Likely pathogenic (1). Last evaluated 2024-03-18.

Conditions:
Ellis-van Creveld syndrome (EVC). Also called: Chondroectodermal dysplasia; EVC-Related Ellis-van Creveld Syndrome; EVC2-Related Ellis-van Creveld Syndrome; MESOECTODERMAL DYSPLASIA. Identifiers: Orphanet 289, MedGen C0013903, MONDO:0009162, OMIM 225500.
Curry-Hall syndrome (WAD). Also called: WEYERS ACRODENTAL DYSOSTOSIS. Identifiers: Orphanet 952, MedGen C0457013, MONDO:0008673, OMIM 193530.

Allele frequency attached by ClinVar (database versions not stated): TOPMed below 0.00001.
gnomAD v4.1: 3 of 1,614,056 alleles (0.00019%); highest among the groups gnomAD compares: Non-Finnish European, 0.00025%; no homozygotes.

Submissions (2):

Fulgent Genetics
Classification: Likely pathogenic for Curry-Hall syndrome; Ellis-van Creveld syndrome. Last evaluated: 2024-03-18. Review status: criteria provided, single submitter. Criteria: ACMG Guidelines, 2015. Collection method: clinical testing. Allele origin: germline.

Labcorp Genetics (formerly Invitae), Labcorp
Classification: Pathogenic for Curry-Hall syndrome; Ellis-van Creveld syndrome. Last evaluated: 2023-12-09. Review status: criteria provided, single submitter. Criteria: Invitae Variant Classification Sherloc (09022015). Collection method: clinical testing. Allele origin: germline.
Comment: This sequence change affects a donor splice site in intron 6 of the EVC2 gene. It is expected to disrupt RNA splicing. Variants that disrupt the donor or acceptor splice site typically lead to a loss of protein function (PMID: 16199547), and loss-of-function variants in EVC2 are known to be pathogenic (PMID: 17024374, 19810119, 19876929). This variant is not present in population databases (gnomAD no frequency). Disruption of this splice site has been observed in individual(s) with clinical features of autosomal recessive Ellis-van Creveld syndrome (Invitae). In at least one individual the data is consistent with being in trans (on the opposite chromosome) from a pathogenic variant. ClinVar contains an entry for this variant (Variation ID: 1496999). Algorithms developed to predict the effect of sequence changes on RNA splicing suggest that this variant may disrupt the consensus splice site. For these reasons, this variant has been classified as Pathogenic.

Literature cited by the submitters: PubMed 16199547 (cited by Labcorp Genetics (formerly Invitae), Labcorp); PubMed 17024374 (cited by Labcorp Genetics (formerly Invitae), Labcorp); PubMed 19810119 (cited by Labcorp Genetics (formerly Invitae), Labcorp); PubMed 19876929 (cited by Labcorp Genetics (formerly Invitae), Labcorp).